The following is an entry in ClinVar:

ClinVar aggregate classification (germline): Likely pathogenic (1 of 4 stars; one submission).

Conditions:
Dilated cardiomyopathy 1G (CMD1G). Identifiers: Orphanet 154, MedGen C1858763, MONDO:0011400, OMIM 604145.
Autosomal recessive limb-girdle muscular dystrophy type 2J (LGMDR10). Also called: Limb-girdle muscular dystrophy, type 2J; MUSCULAR DYSTROPHY, LIMB-GIRDLE, AUTOSOMAL RECESSIVE 10. Identifiers: Orphanet 140922, MedGen C1837342, MONDO:0012127, OMIM 608807.

Submission:

Labcorp Genetics (formerly Invitae), Labcorp
Classification: Likely pathogenic for Dilated cardiomyopathy 1G; Autosomal recessive limb-girdle muscular dystrophy type 2J. Last evaluated: 2021-12-17. Review status: criteria provided, single submitter. Criteria: Invitae Variant Classification Sherloc (09022015). Collection method: clinical testing. Allele origin: germline.
Comment: In summary, the currently available evidence indicates that the variant is pathogenic, but additional data are needed to prove that conclusively. Therefore, this variant has been classified as Likely Pathogenic. This sequence change creates a premature translational stop signal (p.Trp24540*) in the TTN gene. While this is not anticipated to result in nonsense mediated decay, it is expected to create a truncated TTN protein. This variant is not present in population databases (gnomAD no frequency). This variant has not been reported in the literature in individuals affected with TTN-related conditions. Algorithms developed to predict the effect of sequence changes on RNA splicing suggest that this variant may create or strengthen a splice site. This variant is located in the A band of TTN (PMID: 25589632). Truncating variants in this region are significantly overrepresented in patients affected with dilated cardiomyopathy (PMID: 25589632). Truncating variants in this region have also been reported in individuals affected with autosomal recessive centronuclear myopathy (PMID: 23975875).

Literature cited by the submitters: PubMed 25589632; PubMed 23975875.

NM_001267550.2(TTN):c.73619G>A (p.Trp24540Ter)

Genes: TTN (titin; minus strand), TTN-AS1 (TTN antisense RNA 1; plus strand). Cytogenetic location: 2q31.2.
Variant type: single nucleotide variant.
Coding change: c.73619G>A on transcript NM_001267550.2 (MANE Select); coding-DNA position 73619, G replaced by A.
Protein change: p.Trp24540Ter; replaces tryptophan 24540 with a stop codon.
Molecular consequence: nonsense.
Genome position (GRCh38, 1-based): chr2:178,572,513, C>T on the plus strand (G>A on the coding strand, the complement: TTN is on the minus strand). VCF-style: chr2-178572513-C-T. GRCh37 (hg19) VCF-style: chr2-179437240-C-T.
Other names: c.68696G>A, p.Trp22899Ter (NM_001256850.1); c.46424G>A, p.Trp15475Ter (NM_003319.4); c.65915G>A, p.Trp21972Ter (NM_133378.4); c.46799G>A, p.Trp15600Ter (NM_133432.3); c.47000G>A, p.Trp15667Ter (NM_133437.4); short protein forms W21972*, W22899*, W24540*, W15600*, W15475*, W15667*.
Identifiers: ClinVar variation 2044570 (VCV002044570.4), dbSNP rs2468539882, ClinGen allele CA349638051.